The following is an entry in ClinVar:

ClinVar aggregate classification (germline): Uncertain significance (1 of 4 stars; one submission).

Submission:

Labcorp Genetics (formerly Invitae), Labcorp
Classification: Uncertain significance. Last evaluated: 2024-11-18. Review status: criteria provided, single submitter. Criteria: Invitae Variant Classification Sherloc (09022015). Collection method: clinical testing. Allele origin: germline.
Comment: This sequence change replaces methionine, which is neutral and non-polar, with isoleucine, which is neutral and non-polar, at codon 2 of the OAS1 protein (p.Met2Ile). This variant is present in population databases (rs576801406, gnomAD 0.005%). This variant has not been reported in the literature in individuals affected with OAS1-related conditions. An algorithm developed to predict the effect of missense changes on protein structure and function (PolyPhen-2) suggests that this variant is likely to be tolerated. Algorithms developed to predict the effect of sequence changes on RNA splicing suggest that this variant may create or strengthen a splice site. In summary, the available evidence is currently insufficient to determine the role of this variant in disease. Therefore, it has been classified as a Variant of Uncertain Significance.

NM_016816.4(OAS1):c.6G>A (p.Met2Ile)

Genes: OAS1 (2'-5'-oligoadenylate synthetase 1; plus strand), LOC130008812 (ATAC-STARR-seq lymphoblastoid active region 7052; plus strand). Cytogenetic location: 12q24.13.
Variant type: single nucleotide variant.
Coding change: c.6G>A on transcript NM_016816.4 (MANE Select); coding-DNA position 6, G replaced by A.
Protein change: p.Met2Ile; replaces methionine 2 with isoleucine.
Molecular consequence: missense variant. On other transcripts: non-coding transcript variant (9).
Genome position (GRCh38, 1-based): chr12:112,907,045, G>A. VCF-style: chr12-112907045-G-A. GRCh37 (hg19) VCF-style: chr12-113344850-G-A.
Other names: c.6G>A, p.Met2Ile (NM_001032409.3, NM_001320151.2, NM_001406020.1 and 10 more transcripts); short protein forms M2I.
Identifiers: ClinVar variation 3610804 (VCV003610804.2).